The following is an entry in ClinVar:

ClinVar aggregate classification (germline): Likely benign. Review status: criteria provided, multiple submitters, no conflicts (2 of 4 stars). 3 submissions from 3 submitters: Likely benign (3). Last evaluated 2025-12-09.

Allele frequency attached by ClinVar (database versions not stated): gnomAD exomes 0.00003; ExAC 0.00012; gnomAD 0.00013; TOPMed 0.00017; 1000 Genomes Project 0.00040; 1000 Genomes Project 30x 0.00047.
gnomAD v4.1: 59 of 1,614,042 alleles (0.0037%); highest among the groups gnomAD compares: African/African-American, 0.032%; no homozygotes.

Submissions (3):

Labcorp Genetics (formerly Invitae), Labcorp
Classification: Likely benign. Last evaluated: 2025-12-09. Review status: criteria provided, single submitter. Criteria: Invitae Variant Classification Sherloc (09022015). Collection method: clinical testing. Allele origin: germline.

Blueprint Genetics
Classification: Likely benign. Last evaluated: 2024-09-15. Review status: criteria provided, single submitter. Criteria: ACMG Guidelines, 2015. Collection method: clinical testing. Allele origin: germline.

CeGaT Center for Human Genetics Tuebingen
Classification: Likely benign. Last evaluated: 2023-07-01. Review status: criteria provided, single submitter. Criteria: CeGaT Center For Human Genetics Tuebingen Variant Classification Criteria Version 2. Collection method: clinical testing. Allele origin: germline. Affected: yes. Observed: 2 variant alleles.
Comment: TRRAP: BP4, BP7

NM_001375524.1(TRRAP):c.8034G>A (p.Ala2678=)

Gene: TRRAP (transformation/transcription domain associated protein; plus strand). Cytogenetic location: 7q22.1.
Variant type: single nucleotide variant.
Coding change: c.8034G>A on transcript NM_001375524.1 (MANE Select); coding-DNA position 8034, G replaced by A.
Protein change: p.Ala2678=; no amino-acid change (alanine 2678 retained).
Molecular consequence: synonymous variant.
Genome position (GRCh38, 1-based): chr7:98,976,557, G>A. VCF-style: chr7-98976557-G-A. GRCh37 (hg19) VCF-style: chr7-98574180-G-A.
Other names: c.8013G>A, p.Ala2671= (NM_001244580.2); c.7959G>A, p.Ala2653= (NM_003496.4).
Identifiers: ClinVar variation 2080645 (VCV002080645.30), dbSNP rs202052450, ClinGen allele CA4361315.